The following is an entry in ClinVar:

NM_203446.3(SYNJ1):c.2390A>C (p.Glu797Ala)

Gene: SYNJ1 (synaptojanin 1; minus strand). Cytogenetic location: 21q22.11.
Variant type: single nucleotide variant.
Coding change: c.2390A>C on transcript NM_203446.3 (MANE Select); coding-DNA position 2390, A replaced by C.
Protein change: p.Glu797Ala; replaces glutamic acid 797 with alanine.
Molecular consequence: missense variant.
Genome position (GRCh38, 1-based): chr21:32,657,787, T>G on the plus strand (A>C on the coding strand, the complement: SYNJ1 is on the minus strand). VCF-style: chr21-32657787-T-G. GRCh37 (hg19) VCF-style: chr21-34030097-T-G.
Other names: c.2390A>C, p.Glu797Ala (NM_001160302.2); c.2375A>C, p.Glu792Ala (NM_001160306.2); c.2507A>C, p.Glu836Ala (NM_003895.4); short protein forms E797A, E836A, E792A.
Identifiers: ClinVar variation 2000279 (VCV002000279.4), dbSNP rs2517542490, ClinGen allele CA410075361.

ClinVar aggregate classification (germline): Uncertain significance (1 of 4 stars; one submission).

Conditions:
Developmental and epileptic encephalopathy, 53. Also called: Epileptic encephalopathy, early infantile, 53. Identifiers: MedGen C4479313, MONDO:0033362, OMIM 617389.
Early-onset Parkinson disease 20. Also called: PARKINSON DISEASE 20, AUTOSOMAL RECESSIVE EARLY-ONSET. Identifiers: Orphanet 391411, MedGen C3809824, MONDO:0014233, OMIM 615530.

Submission:

Labcorp Genetics (formerly Invitae), Labcorp
Classification: Uncertain significance for Developmental and epileptic encephalopathy, 53; Early-onset Parkinson disease 20. Last evaluated: 2022-05-29. Review status: criteria provided, single submitter. Criteria: Invitae Variant Classification Sherloc (09022015). Collection method: clinical testing. Allele origin: germline.
Comment: This sequence change replaces glutamic acid, which is acidic and polar, with alanine, which is neutral and non-polar, at codon 836 of the SYNJ1 protein (p.Glu836Ala). This variant is not present in population databases (gnomAD no frequency). This variant has not been reported in the literature in individuals affected with SYNJ1-related conditions. Algorithms developed to predict the effect of missense changes on protein structure and function are either unavailable or do not agree on the potential impact of this missense change (SIFT: "Deleterious"; PolyPhen-2: "Benign"; Align-GVGD: "Class C65"). In summary, the available evidence is currently insufficient to determine the role of this variant in disease. Therefore, it has been classified as a Variant of Uncertain Significance.